The following is an entry in ClinVar:

NM_006613.4(GRAP):c.*27G>A

Genes: GRAP (GRB2 related adaptor protein; minus strand), SLC5A10 (solute carrier family 5 member 10; plus strand). Cytogenetic location: 17p11.2.
Variant type: single nucleotide variant.
Coding change: c.*27G>A on transcript NM_006613.4 (MANE Select); 27 bases downstream of the stop codon, G replaced by A.
Molecular consequence: 3 prime UTR variant. On other transcripts: missense variant (1).
Genome position (GRCh38, 1-based): chr17:19,021,932, C>T on the plus strand (G>A on the coding strand, the complement: GRAP is on the minus strand). VCF-style: chr17-19021932-C-T. GRCh37 (hg19) VCF-style: chr17-18925245-C-T.
Other names: c.512G>A, p.Arg171Gln (NM_001330148.2); c.*1501C>T (NM_001042450.4, NM_001270648.3, NM_001270649.2 and 1 more transcripts); short protein forms R171Q.
Identifiers: ClinVar variation 4980472 (VCV004980472.1).

ClinVar aggregate classification (germline): Likely benign (1 of 4 stars; one submission).

Conditions:
GRAP-related disorder. Also called: GRAP-related condition.

gnomAD v4.1: 44 of 1,482,424 alleles (0.003%); highest among the groups gnomAD compares: East Asian, 0.074%; no homozygotes.

Submission:

PreventionGenetics, part of Exact Sciences
Classification: Likely benign for GRAP-related condition. Last evaluated: 2026-08-11. Review status: criteria provided, single submitter. Criteria: ACMG Guidelines, 2015. Collection method: clinical testing. Allele origin: germline.
Comment: This variant is classified as likely benign based on ACMG/AMP sequence variant interpretation guidelines (Richards et al. 2015 PMID: 25741868, with internal and published modifications).